The following is an entry in ClinVar:

ClinVar aggregate classification (germline): Pathogenic (1 of 4 stars; one submission).

Conditions:
Mucopolysaccharidosis, MPS-II (MPS2). Also called: Hunter Syndrome; IDURONATE 2-SULFATASE DEFICIENCY; Mucopolysaccharidosis Type II; Mucopolysaccharidosis type 2; Attenuated MPS (subtype; formerly known as mild MPS II); Severe MPS II. Identifiers: Orphanet 580, Orphanet 79388, MedGen C0026705, MONDO:0010674, OMIM 309900.

Submission:

Laboratory of Diagnosis and Therapy of Lysosomal Disorders, University of Padova
Classification: Pathogenic for Mucopolysaccharidosis, MPS-II. Last evaluated: 2024-06-07. Review status: criteria provided, single submitter. Criteria: ACMG Guidelines, 2015. Collection method: literature only. Allele origin: germline. Affected: yes. Observed: 1 variant allele.
Comment: Null variant (PVS1_VeryStrong), Absent from controls (or at low frequency) in gnomAD database (PM2_Moderate), Patient’s phenotype or family history highly specific for the disease (PP4_Strong)

Classification method: ACMG Guidelines [PMID:25741868] with modifications

Literature cited by the submitters: PubMed 25681085.

NM_000202.8(IDS):c.553_565del (p.Pro185fs)

Genes: IDS (iduronate 2-sulfatase; minus strand), LOC106050102 (IDS recombination region; plus strand). Cytogenetic location: Xq28.
Variant type: Deletion.
Coding change: c.553_565del on transcript NM_000202.8 (MANE Select); coding-DNA positions 553 to 565, 13 bases deleted (CCTGTGGATGTGC).
Protein change: p.Pro185fs; shifts the reading frame from proline 185.
Molecular consequence: frameshift variant. On other transcripts: non-coding transcript variant (1).
Genome position (GRCh38, 1-based): chrX:149,498,250-149,498,262, GCACATCCACAGG deleted on the plus strand (CCTGTGGATGTGC on the coding strand, the reverse complement: IDS is on the minus strand); deleting any 13 consecutive bases within chrX:149,498,250-149,498,265 gives the same sequence; the c. name uses the placement nearest the transcript's 3' end. VCF-style (leftmost placement, unchanged base first): chrX-149498249-AGCACATCCACAGG-A. GRCh37 (hg19) VCF-style: chrX-148579780-AGCACATCCACAGG-A.
Other names: c.283_295del, p.Pro95fs (NM_001166550.4); c.553_565del, p.Pro185fs (NM_006123.5); short protein forms P185fs, P95fs.
Identifiers: ClinVar variation 3255767 (VCV003255767.2).